The following is an entry in ClinVar:

ClinVar aggregate classification (germline): Benign/Likely benign. Review status: criteria provided, multiple submitters, no conflicts (2 of 4 stars). 8 submissions from 8 submitters: Benign (4); Likely benign (4). Last evaluated 2026-07-01.

Conditions:
Bardet-Biedl syndrome 1 (BBS1). Identifiers: MedGen C2936862, MONDO:0008854, OMIM 209900. Disease mechanism: loss of function.
Bardet-Biedl syndrome (BBS). Identifiers: Orphanet 110, MedGen C0752166, MONDO:0015229.
Bardet-Biedl syndrome 15 (BBS15). Identifiers: Orphanet 110, MedGen C3150127, MONDO:0014443, OMIM 615992.

Allele frequency attached by ClinVar (database versions not stated): 1000 Genomes Project 30x 0.00265; 1000 Genomes Project 0.00300; TOPMed 0.00829; gnomAD 0.00901 and 0.00905; gnomAD exomes 0.00942 and 0.01311; ExAC 0.00991; ESP Exome Variant Server 0.01265.
gnomAD v4.1: 20,314 of 1,613,868 alleles (1.3%); highest among the groups gnomAD compares: Non-Finnish European, 1.5%; 159 homozygotes.

Submissions (8):

CeGaT Center for Human Genetics Tuebingen
Classification: Benign. Last evaluated: 2026-07-01. Review status: criteria provided, single submitter. Criteria: CeGaT Center For Human Genetics Tuebingen Variant Classification Criteria Version 2. Collection method: clinical testing. Allele origin: germline. Affected: yes. Observed: 19 variant alleles.
Comment: WDPCP: BP4, BS1, BS2

Labcorp Genetics (formerly Invitae), Labcorp
Classification: Benign for Bardet-Biedl syndrome. Last evaluated: 2026-02-03. Review status: criteria provided, single submitter. Criteria: Invitae Variant Classification Sherloc (09022015). Collection method: clinical testing. Allele origin: germline.

Illumina Laboratory Services, Illumina
Classification: Likely benign for Bardet-Biedl syndrome 15. Last evaluated: 2018-01-13. Review status: criteria provided, single submitter. Criteria: ICSL Variant Classification Criteria 13 December 2019. Collection method: clinical testing. Allele origin: germline.
Comment: This variant was observed in the ICSL laboratory as part of a predisposition screen in an ostensibly healthy population. It had not been previously curated by ICSL or reported in the Human Gene Mutation Database (HGMD: prior to June 1st, 2018), and was therefore a candidate for classification through an automated scoring system. Utilizing variant allele frequency, disease prevalence and penetrance estimates, and inheritance mode, an automated score was calculated to assess if this variant is too frequent to cause the disease. Based on the score and internal cut-off values, a variant classified as likely benign is not then subjected to further curation. The score for this variant resulted in a classification of likely benign for this disease.

Center for Pediatric Genomic Medicine, Children's Mercy Hospital and Clinics
Classification: Likely benign. Last evaluated: 2017-08-18. Review status: criteria provided, single submitter. Criteria: ACMG Guidelines, 2015. Collection method: clinical testing. Allele origin: germline.

Clinical Genetics DNA and cytogenetics Diagnostics Lab, Erasmus MC, Erasmus Medical Center
Classification: Likely benign for Bardet-Biedl syndrome 1. Last evaluated: 2017-05-31. Review status: criteria provided, single submitter. Criteria: ACGS Guidelines, 2013. Collection method: clinical testing. Allele origin: germline. Affected: yes. Study: VKGL Data-share Consensus.

Genome Diagnostics Laboratory, University Medical Center Utrecht
Classification: Benign for Bardet-Biedl syndrome 1. Last evaluated: 2014-10-09. Review status: criteria provided, single submitter. Criteria: ACGS Guidelines, 2013. Collection method: clinical testing. Allele origin: germline. Affected: yes. Study: VKGL Data-share Consensus.

Breakthrough Genomics
Classification: Likely benign. Review status: criteria provided, single submitter. Criteria: ACMG Guidelines, 2015. Collection method: not provided. Allele origin: germline. Inheritance: Autosomal recessive inheritance. Affected: yes.

PreventionGenetics, part of Exact Sciences
Classification: Benign. Review status: criteria provided, single submitter. Criteria: ACMG Guidelines, 2015. Collection method: clinical testing. Allele origin: germline.

NM_015910.7(WDPCP):c.2063A>G (p.Asn688Ser)

Gene: WDPCP (WD repeat containing planar cell polarity effector; minus strand). Cytogenetic location: 2p15.
Variant type: single nucleotide variant.
Coding change: c.2063A>G on transcript NM_015910.7 (MANE Select); coding-DNA position 2063, A replaced by G.
Protein change: p.Asn688Ser; replaces asparagine 688 with serine.
Molecular consequence: missense variant. On other transcripts: non-coding transcript variant (3).
Genome position (GRCh38, 1-based): chr2:63,174,685, T>C on the plus strand (A>G on the coding strand, the complement: WDPCP is on the minus strand). VCF-style: chr2-63174685-T-C. GRCh37 (hg19) VCF-style: chr2-63401820-T-C.
Other names: c.1586A>G, p.Asn529Ser (NM_001042692.3); c.1991A>G, p.Asn664Ser (NM_001354044.2); short protein forms N688S, N529S, N664S.
Identifiers: ClinVar variation 220870 (VCV000220870.42), dbSNP rs61734468, ClinGen allele CA348781.
Genomic context (GRCh38, chr2:63,174,685, plus strand): 5'-ACTAAATACTTTATGGAGCAATTTCCTCAGTTCAACATTTCTTACCTGTTAGAAGAGCCA[T>C]TCAGTATTCTTTGTTGTAAAATATGTCTGTGGGTTGGGCAAGAGGGAGGGAGGTTATCTG-3'
Protein context (NP_056994.3, residues 678-698): HRHILQQRIL[Asn688Ser]GSSNRQIIDR